The following is an entry in ClinVar:

NM_001174147.2(LMX1B):c.722C>T (p.Ser241Leu)

Gene: LMX1B (LIM homeobox transcription factor 1 beta; plus strand). Cytogenetic location: 9q33.3.
Variant type: single nucleotide variant.
Coding change: c.722C>T on transcript NM_001174147.2 (MANE Select); coding-DNA position 722, C replaced by T.
Protein change: p.Ser241Leu; replaces serine 241 with leucine.
Molecular consequence: missense variant.
Genome position (GRCh38, 1-based): chr9:126,693,304, C>T. VCF-style: chr9-126693304-C-T. GRCh37 (hg19) VCF-style: chr9-129455583-C-T.
Other names: c.722C>T, p.Ser241Leu (NM_001174146.2, NM_002316.4); short protein forms S241L.
Identifiers: ClinVar variation 1951830 (VCV001951830.5), dbSNP rs2030204465, ClinGen allele CA374913684.

ClinVar aggregate classification (germline): Uncertain significance (1 of 4 stars; one submission).

Allele frequency attached by ClinVar (database versions not stated): gnomAD exomes below 0.00001; TOPMed below 0.00001.
gnomAD v4.1: 1 of 1,604,976 alleles (0.000062%); highest among the groups gnomAD compares: Non-Finnish European, 0.000085%; no homozygotes.

Submission:

Labcorp Genetics (formerly Invitae), Labcorp
Classification: Uncertain significance. Last evaluated: 2022-04-07. Review status: criteria provided, single submitter. Criteria: Invitae Variant Classification Sherloc (09022015). Collection method: clinical testing. Allele origin: germline.
Comment: In summary, the available evidence is currently insufficient to determine the role of this variant in disease. Therefore, it has been classified as a Variant of Uncertain Significance. This variant disrupts the p.Ser241 amino acid residue in LMX1B. Other variant(s) that disrupt this residue have been observed in individuals with LMX1B-related conditions (PMID: 9837817; Invitae), which suggests that this may be a clinically significant amino acid residue. Algorithms developed to predict the effect of missense changes on protein structure and function are either unavailable or do not agree on the potential impact of this missense change (SIFT: "Deleterious"; PolyPhen-2: "Benign"; Align-GVGD: "Class C65"). This missense change has been observed in individual(s) with clinical features of nail-patella syndrome (Invitae). This variant is not present in population databases (gnomAD no frequency). This sequence change replaces serine, which is neutral and polar, with leucine, which is neutral and non-polar, at codon 241 of the LMX1B protein (p.Ser241Leu).

Literature cited by the submitters: PubMed 9837817.